The following is an entry in ClinVar:

ClinVar aggregate classification (germline): Pathogenic (1 of 4 stars; one submission).

Conditions:
Hereditary cancer-predisposing syndrome. Also called: Neoplastic Syndromes, Hereditary; Tumor predisposition; Hereditary Cancer Syndrome; Hereditary neoplastic syndrome. Identifiers: Orphanet 140162, MedGen C0027672, MeSH D009386, MONDO:0015356.

Submission:

Ambry Genetics
Classification: Pathogenic for Hereditary cancer-predisposing syndrome. Last evaluated: 2016-08-19. Review status: criteria provided, single submitter. Criteria: Ambry Variant Classification Scheme 2023. Collection method: clinical testing. Allele origin: germline.
Comment: The c.1826dupA pathogenic mutation, located in coding exon 12 of the RAD50 gene, results from a duplication of A at nucleotide position 1826, causing a translational frameshift with a predicted alternate stop codon. This alteration is expected to result in loss of function by premature protein truncation or nonsense-mediated mRNA decay. As such, this alteration is interpreted as a disease-causing mutation.

NM_005732.4(RAD50):c.1826dup (p.Asn609fs)

Gene: RAD50 (RAD50 double strand break repair protein; plus strand). Cytogenetic location: 5q31.1.
Variant type: Duplication.
Coding change: c.1826dup on transcript NM_005732.4 (MANE Select); coding-DNA position 1826, one base duplicated (A; older notation c.1826dupA).
Protein change: p.Asn609fs; shifts the reading frame from asparagine 609.
Molecular consequence: frameshift variant.
Genome position (GRCh38, 1-based): chr5:132,594,901, A duplicated; the last of 5 consecutive A bases (chr5:132,594,897-132,594,901); duplicating any one gives the same sequence. VCF-style (leftmost placement, unchanged base first): chr5-132594896-T-TA. GRCh37 (hg19) VCF-style: chr5-131930588-T-TA.
Other names: c.1826dupA (NM_005732.3); short protein forms N609fs.
Identifiers: ClinVar variation 484664 (VCV000484664.5), dbSNP rs1554098584, ClinGen allele CA658657513.